The following is an entry in ClinVar:

NM_000059.4(BRCA2):c.7654A>G (p.Ile2552Val)

Gene: BRCA2 (BRCA2 DNA repair associated; plus strand). Cytogenetic location: 13q13.1.
Variant type: single nucleotide variant.
Coding change: c.7654A>G on transcript NM_000059.4 (MANE Select); coding-DNA position 7654, A replaced by G.
Protein change: p.Ile2552Val; replaces isoleucine 2552 with valine.
Molecular consequence: missense variant.
Genome position (GRCh38, 1-based): chr13:32,357,778, A>G. VCF-style: chr13-32357778-A-G. GRCh37 (hg19) VCF-style: chr13-32931915-A-G.
Other names: short protein forms I2552V.
Identifiers: ClinVar variation 1397781 (VCV001397781.11), dbSNP rs2137566410, ClinGen allele CA387744946.

ClinVar aggregate classification (germline): Conflicting classifications of pathogenicity. Review status: criteria provided, conflicting classifications (1 of 4 stars). 2 submissions from 2 submitters: Uncertain significance (1); Likely benign (1). Last evaluated 2025-04-17.

Conditions:
Hereditary breast ovarian cancer syndrome. Also called: Hereditary breast and/or ovarian cancer syndrome; Hereditary breast and ovarian cancer; Breast and ovarian cancer; BRCA1- and BRCA2-Associated Hereditary Breast and Ovarian Cancer; Hereditary breast and ovarian cancer syndrome; Hereditary breast and ovarian cancer syndrome (HBOC). Identifiers: Orphanet 145, MedGen C0677776, MeSH D061325, MONDO:0003582. Disease mechanism: loss of function.

Submissions (2):

Labcorp Genetics (formerly Invitae), Labcorp
Classification: Uncertain significance for Hereditary breast ovarian cancer syndrome. Last evaluated: 2025-04-17. Review status: criteria provided, single submitter. Criteria: Invitae Variant Classification Sherloc (09022015). Collection method: clinical testing. Allele origin: germline.
Comment: This sequence change replaces isoleucine, which is neutral and non-polar, with valine, which is neutral and non-polar, at codon 2552 of the BRCA2 protein (p.Ile2552Val). This variant is not present in population databases (gnomAD no frequency). This variant has not been reported in the literature in individuals affected with BRCA2-related conditions. ClinVar contains an entry for this variant (Variation ID: 1397781). Invitae Evidence Modeling of protein sequence and biophysical properties (such as structural, functional, and spatial information, amino acid conservation, physicochemical variation, residue mobility, and thermodynamic stability) indicates that this missense variant is not expected to disrupt BRCA2 protein function with a negative predictive value of 95%. In summary, the available evidence is currently insufficient to determine the role of this variant in disease. Therefore, it has been classified as a Variant of Uncertain Significance.

Blueprint Genetics
Classification: Likely benign. Last evaluated: 2024-09-24. Review status: criteria provided, single submitter. Criteria: ACMG Guidelines, 2015. Collection method: clinical testing. Allele origin: germline.